The following is an entry in ClinVar:

ClinVar aggregate classification (germline): Likely benign (1 of 4 stars; one submission).

gnomAD v4.1: 2,741 of 1,550,816 alleles (0.18%); highest among the groups gnomAD compares: Admixed American, 0.25%; 8 homozygotes.

Submission:

CeGaT Center for Human Genetics Tuebingen
Classification: Likely benign. Last evaluated: 2026-04-01. Review status: criteria provided, single submitter. Criteria: CeGaT Center For Human Genetics Tuebingen Variant Classification Criteria Version 2. Collection method: clinical testing. Allele origin: germline. Affected: yes. Observed: 2 variant alleles.
Comment: AP1S3: BP4, BS2

NM_001039569.2(AP1S3):c.292-4861C>T

Gene: AP1S3 (adaptor related protein complex 1 subunit sigma 3; minus strand). Cytogenetic location: 2q36.1.
Variant type: single nucleotide variant.
Coding change: c.292-4861C>T on transcript NM_001039569.2 (MANE Select); 4861 bases into the intron before coding-DNA position 292, C replaced by T.
Molecular consequence: intron variant.
Genome position (GRCh38, 1-based): chr2:223,770,211, G>A on the plus strand (C>T on the coding strand, the complement: AP1S3 is on the minus strand). VCF-style: chr2-223770211-G-A. GRCh37 (hg19) VCF-style: chr2-224634928-G-A.
Identifiers: ClinVar variation 3388110 (VCV003388110.14).